The following is an entry in ClinVar:

NM_001372.4(DNAH9):c.904+1G>A

Gene: DNAH9 (dynein axonemal heavy chain 9; plus strand). Cytogenetic location: 17p12.
Variant type: single nucleotide variant.
Coding change: c.904+1G>A on transcript NM_001372.4 (MANE Select); the canonical splice donor site of the intron after coding-DNA position 904, G replaced by A.
Molecular consequence: splice donor variant.
Genome position (GRCh38, 1-based): chr17:11,611,781, G>A. VCF-style: chr17-11611781-G-A. GRCh37 (hg19) VCF-style: chr17-11515098-G-A.
Identifiers: ClinVar variation 2819036 (VCV002819036.4), dbSNP rs768106280, ClinGen allele CA8394675.

ClinVar aggregate classification (germline): Likely pathogenic (1 of 4 stars; one submission).

Allele frequency attached by ClinVar (database versions not stated): gnomAD exomes below 0.00001; ExAC 0.00002; gnomAD 0.00001.
gnomAD v4.1: 2 of 1,614,022 alleles (0.00012%); highest among the groups gnomAD compares: East Asian, 0.0022%; no homozygotes.

Submissions (2):

Labcorp Genetics (formerly Invitae), Labcorp
Classification: Likely pathogenic. Last evaluated: 2025-12-21. Review status: criteria provided, single submitter. Criteria: Invitae Variant Classification Sherloc (09022015). Collection method: clinical testing. Allele origin: germline.
Comment: This sequence change affects a donor splice site in intron 4 of the DNAH9 gene. It is expected to disrupt RNA splicing. Variants that disrupt the donor or acceptor splice site typically lead to a loss of protein function (PMID: 16199547), and loss-of-function variants in DNAH9 are known to be pathogenic (PMID: 30471718). This variant is present in population databases (rs768106280, gnomAD 0.006%). This variant has not been reported in the literature in individuals affected with DNAH9-related conditions. ClinVar contains an entry for this variant (Variation ID: 2819036). Algorithms developed to predict the effect of sequence changes on RNA splicing suggest that this variant may disrupt the consensus splice site. In summary, the currently available evidence indicates that the variant is pathogenic, but additional data are needed to prove that conclusively. Therefore, this variant has been classified as Likely Pathogenic.

Dr. Peter K. Rogan Lab, Western University
No classification provided (evidence only). Condition: Uterine corpus endometrial carcinoma. Review status: no classification provided. Collection method: in vitro. Allele origin: not applicable. Functional consequence: retained intron. Not counted in ClinVar's aggregate classification.

Literature cited by the submitters: PubMed 16199547 (cited by Labcorp Genetics (formerly Invitae), Labcorp); PubMed 30471718 (cited by Labcorp Genetics (formerly Invitae), Labcorp).